The following is an entry in ClinVar:

NM_030777.4(SLC2A10):c.562G>C (p.Gly188Arg)

Gene: SLC2A10 (solute carrier family 2 member 10; plus strand). Cytogenetic location: 20q13.12.
Variant type: single nucleotide variant.
Coding change: c.562G>C on transcript NM_030777.4 (MANE Select); coding-DNA position 562, G replaced by C.
Protein change: p.Gly188Arg; replaces glycine 188 with arginine.
Molecular consequence: missense variant.
Genome position (GRCh38, 1-based): chr20:46,725,598, G>C. VCF-style: chr20-46725598-G-C. GRCh37 (hg19) VCF-style: chr20-45354237-G-C.
Other names: short protein forms G188R.
Identifiers: ClinVar variation 962251 (VCV000962251.8), dbSNP rs374246708, ClinGen allele CA315755801.

ClinVar aggregate classification (germline): Uncertain significance. Review status: criteria provided, multiple submitters, no conflicts (2 of 4 stars). 3 submissions from 3 submitters: Uncertain significance (3). Last evaluated 2024-05-31.

Conditions:
Familial thoracic aortic aneurysm and aortic dissection (TAAD). Also called: Thoracic aortic aneurysms and dissections. Identifiers: Orphanet 91387, MedGen C4707243, MONDO:0019625.
Arterial tortuosity syndrome (ATORS). Identifiers: Orphanet 3342, MedGen C1859726, MONDO:0008818, OMIM 208050.

Allele frequency attached by ClinVar (database versions not stated): gnomAD 0.00001 and 0.00002; gnomAD exomes 0.00001; TOPMed 0.00003; ESP Exome Variant Server 0.00008.
gnomAD v4.1: 20 of 1,614,060 alleles (0.0012%); highest among the groups gnomAD compares: Non-Finnish European, 0.0015%; no homozygotes.

Submissions (3):

Ambry Genetics
Classification: Uncertain significance for Familial thoracic aortic aneurysm and aortic dissection. Last evaluated: 2024-05-31. Review status: criteria provided, single submitter. Criteria: Ambry Variant Classification Scheme 2023. Collection method: clinical testing. Allele origin: germline.
Comment: The p.G188R variant (also known as c.562G>C), located in coding exon 2 of the SLC2A10 gene, results from a G to C substitution at nucleotide position 562. The glycine at codon 188 is replaced by arginine, an amino acid with dissimilar properties. This amino acid position is poorly conserved in available vertebrate species. In addition, this alteration is predicted to be tolerated by in silico analysis. Based on the available evidence, the clinical significance of this variant remains unclear.

GeneDx
Classification: Uncertain significance. Last evaluated: 2022-12-08. Review status: criteria provided, single submitter. Criteria: GeneDx Variant Classification Process June 2021. Collection method: clinical testing. Allele origin: germline. Affected: yes.
Comment: Not observed at significant frequency in large population cohorts (gnomAD); In silico analysis supports that this missense variant does not alter protein structure/function; Has not been previously published as pathogenic or benign to our knowledge

Labcorp Genetics (formerly Invitae), Labcorp
Classification: Uncertain significance for Arterial tortuosity syndrome. Last evaluated: 2021-08-31. Review status: criteria provided, single submitter. Criteria: Invitae Variant Classification Sherloc (09022015). Collection method: clinical testing. Allele origin: germline.
Comment: This sequence change replaces glycine with arginine at codon 188 of the SLC2A10 protein (p.Gly188Arg). The glycine residue is moderately conserved and there is a moderate physicochemical difference between glycine and arginine. This variant is not present in population databases (ExAC no frequency). This variant has not been reported in the literature in individuals affected with SLC2A10-related conditions. Algorithms developed to predict the effect of missense changes on protein structure and function (SIFT, PolyPhen-2, Align-GVGD) all suggest that this variant is likely to be tolerated. In summary, the available evidence is currently insufficient to determine the role of this variant in disease. Therefore, it has been classified as a Variant of Uncertain Significance.